The following is an entry in ClinVar:

NM_201269.3(ZNF644):c.537A>G (p.Ser179=)

Gene: ZNF644 (zinc finger protein 644; minus strand). Cytogenetic location: 1p22.2.
Variant type: single nucleotide variant.
Coding change: c.537A>G on transcript NM_201269.3 (MANE Select); coding-DNA position 537, A replaced by G.
Protein change: p.Ser179=; no amino-acid change (serine 179 retained).
Molecular consequence: synonymous variant. On other transcripts: intron variant (2).
Genome position (GRCh38, 1-based): chr1:90,940,817, T>C on the plus strand (A>G on the coding strand, the complement: ZNF644 is on the minus strand). VCF-style: chr1-90940817-T-C. GRCh37 (hg19) VCF-style: chr1-91406374-T-C.
Other names: c.537A>G, p.Ser179= (NM_001437610.1, NM_001437611.1, NM_001437612.1 and 1 more transcripts); c.23-22663A>G (NM_032186.5, NM_016620.4).
Identifiers: ClinVar variation 4994952 (VCV004994952.1).

ClinVar aggregate classification (germline): Likely benign (1 of 4 stars; one submission).

Conditions:
ZNF644-related disorder. Also called: ZNF644-related condition.

gnomAD v4.1: 347 of 1,614,020 alleles (0.021%); highest among the groups gnomAD compares: South Asian, 0.35%; 6 homozygotes.

Submission:

PreventionGenetics, part of Exact Sciences
Classification: Likely benign for ZNF644-related condition. Last evaluated: 2026-06-23. Review status: criteria provided, single submitter. Criteria: ACMG Guidelines, 2015. Collection method: clinical testing. Allele origin: germline.
Comment: This variant is classified as likely benign based on ACMG/AMP sequence variant interpretation guidelines (Richards et al. 2015 PMID: 25741868, with internal and published modifications).